The following is an entry in ClinVar:

NM_000059.4(BRCA2):c.10220A>G (p.Asn3407Ser)

Gene: BRCA2 (BRCA2 DNA repair associated; plus strand). Cytogenetic location: 13q13.1.
Variant type: single nucleotide variant.
Coding change: c.10220A>G on transcript NM_000059.4 (MANE Select); coding-DNA position 10220, A replaced by G.
Protein change: p.Asn3407Ser; replaces asparagine 3407 with serine.
Molecular consequence: missense variant.
Genome position (GRCh38, 1-based): chr13:32,398,733, A>G. VCF-style: chr13-32398733-A-G. GRCh37 (hg19) VCF-style: chr13-32972870-A-G.
Other names: p.N3407S:AAT>AGT; short protein forms N3407S.
Identifiers: ClinVar variation 51055 (VCV000051055.24), dbSNP rs80358401, ClinGen allele CA010482.

ClinVar aggregate classification (germline): Conflicting classifications of pathogenicity. Review status: criteria provided, conflicting classifications (1 of 4 stars). 12 submissions from 12 submitters: Uncertain significance (3); Likely benign (6). 3 of the submissions do not count toward it. Last evaluated 2025-08-06.

Conditions:
Hereditary cancer-predisposing syndrome. Also called: Hereditary Cancer Syndrome; Neoplastic Syndromes, Hereditary; Hereditary neoplastic syndrome; Tumor predisposition. Identifiers: Orphanet 140162, MedGen C0027672, MeSH D009386, MONDO:0015356.
BRCA2-related disorder. Also called: BRCA2-related condition; BRCA2-related disorders. Identifiers: MedGen CN239275.
Hereditary breast ovarian cancer syndrome. Also called: Hereditary breast and ovarian cancer syndrome; Breast and ovarian cancer; BRCA1- and BRCA2-Associated Hereditary Breast and Ovarian Cancer; Hereditary breast and/or ovarian cancer syndrome; Hereditary breast and ovarian cancer; Hereditary breast and ovarian cancer syndrome (HBOC). Identifiers: Orphanet 145, MedGen C0677776, MeSH D061325, MONDO:0003582. Disease mechanism: loss of function.
Breast-ovarian cancer, familial, susceptibility to, 2 (BROVCA2). Also called: BRCA2 Hereditary Breast and Ovarian Cancer. Identifiers: Orphanet 145, MedGen C2675520, MONDO:0012933, OMIM 612555. Disease mechanism: loss of function.

Allele frequency attached by ClinVar (database versions not stated): gnomAD exomes below 0.00001 and 0.00001; ExAC 0.00001.
gnomAD v4.1: 15 of 1,613,964 alleles (0.00093%); highest among the groups gnomAD compares: Non-Finnish European, 0.0013%; no homozygotes.

Submissions (12):

Labcorp Genetics (formerly Invitae), Labcorp
Classification: Likely benign for Hereditary breast ovarian cancer syndrome. Last evaluated: 2025-08-06. Review status: criteria provided, single submitter. Criteria: Invitae Variant Classification Sherloc (09022015). Collection method: clinical testing. Allele origin: germline.

PreventionGenetics, part of Exact Sciences
Classification: Likely benign for BRCA2-related condition. Last evaluated: 2025-03-20. Review status: criteria provided, single submitter. Criteria: ACMG Guidelines, 2015. Collection method: clinical testing. Allele origin: germline.
Comment: This variant is classified as likely benign based on ACMG/AMP sequence variant interpretation guidelines (Richards et al. 2015 PMID: 25741868, with internal and published modifications).

Quest Diagnostics Nichols Institute San Juan Capistrano
Classification: Uncertain significance. Last evaluated: 2024-11-12. Review status: criteria provided, single submitter. Criteria: Quest Diagnostics criteria. Collection method: clinical testing. Allele origin: unknown.
Comment: The BRCA2 c.10220A>G (p.Asn3407Ser) has been observed in a large scale breast cancer association study in a reportedly healthy individual (PMID: 33471991 (2021), see also LOVD). The frequency of this variant in the general population, 0.000004 (1/250846 chromosomes (Genome Aggregation Database)), is uninformative in the assessment of its pathogenicity. Analysis of this variant using bioinformatics tools for the prediction of the effect of amino acid changes on protein structure and function yielded predictions that this variant is benign. Based on the available information, we are unable to determine the clinical significance of this variant.

All of Us Research Program, National Institutes of Health
Classification: Likely benign for Breast-ovarian cancer, familial, susceptibility to, 2. Last evaluated: 2023-12-13. Review status: criteria provided, single submitter. Criteria: ACMG Guidelines, 2015. Collection method: clinical testing. Allele origin: germline. Inheritance: Autosomal dominant inheritance. Observed: 4 variant alleles, 4 heterozygotes.
Comment: This study involves interpretation of variants in research participants for the purpose of population health screening. Participant phenotype was not available at the time of variant classification. Additional details can be found in publication PMID: 35346344, PMCID: PMC8962531

Revvity Omics, Revvity
Classification: Uncertain significance. Last evaluated: 2022-06-27. Review status: criteria provided, single submitter. Criteria: ACMG Guidelines, 2015. Collection method: clinical testing. Allele origin: germline.

Women's Health and Genetics/Laboratory Corporation of America, LabCorp
Classification: Uncertain significance. Last evaluated: 2021-04-06. Review status: criteria provided, single submitter. Criteria: LabCorp Variant Classification Summary - May 2015. Collection method: clinical testing. Allele origin: germline.
Comment: Variant summary: BRCA2 c.10220A>G (p.Asn3407Ser) results in a conservative amino acid change in the encoded protein sequence. Four of five in-silico tools predict a benign effect of the variant on protein function. The variant allele was found at a frequency of 4e-06 in 250846 control chromosomes. The available data on variant occurrences in the general population are insufficient to allow any conclusion about variant significance. To our knowledge, no occurrence of c.10220A>G in individuals affected with Hereditary Breast And Ovarian Cancer Syndrome and no experimental evidence demonstrating its impact on protein function have been reported. Four clinical diagnostic laboratories have submitted clinical-significance assessments for this variant to ClinVar after 2014 without evidence for independent evaluation (likely benign, n=3; VUS, n=2). Based on the evidence outlined above, the variant was classified as uncertain significance.

Ambry Genetics
Classification: Likely benign for Hereditary cancer-predisposing syndrome. Last evaluated: 2019-01-29. Review status: criteria provided, single submitter. Criteria: Ambry Variant Classification Scheme 2023. Collection method: clinical testing. Allele origin: germline.

GeneDx
Classification: Likely benign. Last evaluated: 2018-09-11. Review status: criteria provided, single submitter. Criteria: GeneDx Variant Classification Process June 2021. Collection method: clinical testing. Allele origin: germline. Affected: yes.
Comment: This variant is associated with the following publications: (PMID: 24817641)

Color Diagnostics, LLC DBA Color Health
Classification: Likely benign for Hereditary cancer-predisposing syndrome. Last evaluated: 2018-08-30. Review status: criteria provided, single submitter. Criteria: ACMG Guidelines, 2015. Collection method: clinical testing. Allele origin: germline.

Counsyl
Classification: Uncertain significance for Breast-ovarian cancer, familial, susceptibility to, 2. Last evaluated: 2016-03-03. Review status: no assertion criteria provided. Collection method: clinical testing. Allele origin: unknown. Not counted in ClinVar's aggregate classification.

Breast Cancer Information Core (BIC) (BRCA2)
Classification: Uncertain significance for Breast-ovarian cancer, familial 2. Review status: no assertion criteria provided. Collection method: clinical testing. Allele origin: germline. Affected: yes. Observed: 1 variant allele. Not counted in ClinVar's aggregate classification.

Department of Pathology and Laboratory Medicine, Sinai Health System
Classification: Uncertain significance. Review status: no assertion criteria provided. Collection method: clinical testing. Allele origin: unknown. Affected: yes. Observed: 1 variant allele. Study: The Canadian Open Genetics Repository (COGR). Not counted in ClinVar's aggregate classification.

Literature cited by the submitters: PubMed 33471991 (cited by Quest Diagnostics Nichols Institute San Juan Capistrano); PubMed 24817641 (cited by Quest Diagnostics Nichols Institute San Juan Capistrano and Counsyl); PubMed 39427061 (cited by Quest Diagnostics Nichols Institute San Juan Capistrano); PubMed 35585550 (cited by Quest Diagnostics Nichols Institute San Juan Capistrano); PubMed 30702160 (cited by Quest Diagnostics Nichols Institute San Juan Capistrano).